The following is an entry in ClinVar:

ClinVar aggregate classification (germline): Pathogenic/Likely pathogenic. Review status: criteria provided, multiple submitters, no conflicts (2 of 4 stars). 7 submissions from 7 submitters: Pathogenic (2); Likely pathogenic (4). 1 of the submissions does not count toward it. Last evaluated 2026-01-31.

Conditions:
ARG1-related disorder. Also called: ARG1-related condition.
Arginase deficiency. Also called: ARGININEMIA; ARG1 DEFICIENCY; Arginase 1 Deficiency. Identifiers: Orphanet 90, MedGen C0268548, MONDO:0008814, OMIM 207800.

Allele frequency attached by ClinVar (database versions not stated): gnomAD 0.00001; gnomAD exomes 0.00001; ExAC 0.00002; TOPMed below 0.00001.
gnomAD v4.1: 16 of 1,613,870 alleles (0.00099%); highest among the groups gnomAD compares: Non-Finnish European, 0.0011%; no homozygotes.

Submissions (7):

PreventionGenetics, part of Exact Sciences
Classification: Likely pathogenic for ARG1-related condition. Last evaluated: 2026-01-31. Review status: criteria provided, single submitter. Criteria: ACMG Guidelines, 2015. Collection method: clinical testing. Allele origin: germline.
Comment: The ARG1 c.295G>A variant is predicted to result in the amino acid substitution p.Gly99Arg. This variant was reported in the homozygous or compound heterozygous state in individuals with arginase deficiency (Huemer et al. 2016. PubMed ID: 27038030; Bijarnia-Mahay et al. 2018. PubMed ID: 30285816). This variant is reported in 0.0033% of alleles in individuals of South Asian descent in gnomAD. This variant is interpreted as likely pathogenic.

Labcorp Genetics (formerly Invitae), Labcorp
Classification: Pathogenic for Arginase deficiency. Last evaluated: 2025-10-15. Review status: criteria provided, single submitter. Criteria: Invitae Variant Classification Sherloc (09022015). Collection method: clinical testing. Allele origin: germline.
Comment: This sequence change replaces glycine, which is neutral and non-polar, with arginine, which is basic and polar, at codon 99 of the ARG1 protein (p.Gly99Arg). This variant is present in population databases (rs753829097, gnomAD 0.003%). This missense change has been observed in individual(s) with arginase deficiency (PMID: 27038030, 30285816; internal data). ClinVar contains an entry for this variant (Variation ID: 551529). Invitae Evidence Modeling of protein sequence and biophysical properties (such as structural, functional, and spatial information, amino acid conservation, physicochemical variation, residue mobility, and thermodynamic stability) indicates that this missense variant is expected to disrupt ARG1 protein function with a positive predictive value of 80%. For these reasons, this variant has been classified as Pathogenic.

Revvity Omics, Revvity
Classification: Likely pathogenic for Arginase deficiency. Last evaluated: 2024-09-11. Review status: criteria provided, single submitter. Criteria: ACMG Guidelines, 2015. Collection method: clinical testing. Allele origin: germline.

Baylor Genetics
Classification: Pathogenic for Arginase deficiency. Last evaluated: 2024-02-07. Review status: criteria provided, single submitter. Criteria: ACMG Guidelines, 2015. Collection method: clinical testing. Allele origin: unknown.

GeneDx
Classification: Likely pathogenic. Last evaluated: 2023-05-13. Review status: criteria provided, single submitter. Criteria: GeneDx Variant Classification Process June 2021. Collection method: clinical testing. Allele origin: germline. Affected: yes.
Comment: Not observed at significant frequency in large population cohorts (gnomAD); In silico analysis supports that this missense variant has a deleterious effect on protein structure/function; This variant is associated with the following publications: (PMID: 27038030, 29726057, 35499206, 30285816)

Kasturba Medical College, Manipal, Kasturba Medical College, Manipal, Manipal Academy of Higher Education, Manipal, India
Classification: Likely pathogenic for Arginase deficiency. Review status: criteria provided, single submitter. Criteria: ACMG Guidelines, 2015. Collection method: clinical testing. Allele origin: unknown. Inheritance: Autosomal recessive inheritance. Affected: yes. Observed: 1 homozygote.

Counsyl
Classification: Uncertain significance for Arginase deficiency. Last evaluated: 2017-04-14. Review status: no assertion criteria provided. Collection method: clinical testing. Allele origin: unknown. Not counted in ClinVar's aggregate classification.

Literature cited by the submitters: PubMed 27038030 (cited by Labcorp Genetics (formerly Invitae), Labcorp and Counsyl); PubMed 30285816 (cited by Labcorp Genetics (formerly Invitae), Labcorp); DOI 10.1007/s10545-016-9928-y (cited by Kasturba Medical College, Manipal, Kasturba Medical College, Manipal, Manipal Academy of Higher Education, Manipal, India).

NM_000045.4(ARG1):c.295G>A (p.Gly99Arg)

Genes: ARG1 (arginase 1; plus strand), MED23 (mediator complex subunit 23; minus strand). Cytogenetic location: 6q23.2.
Variant type: single nucleotide variant.
Coding change: c.295G>A on transcript NM_000045.4 (MANE Select); coding-DNA position 295, G replaced by A.
Protein change: p.Gly99Arg; replaces glycine 99 with arginine.
Molecular consequence: missense variant. On other transcripts: non-coding transcript variant (1), intron variant (2).
Genome position (GRCh38, 1-based): chr6:131,579,275, G>A. VCF-style: chr6-131579275-G-A. GRCh37 (hg19) VCF-style: chr6-131900415-G-A.
Other names: c.319G>A, p.Gly107Arg (NM_001244438.2); c.295G>A, p.Gly99Arg (NM_001369020.1); c.4078-4980C>T (NM_001270521.2); c.4096-4980C>T (NM_015979.4); short protein forms G99R, G107R.
Identifiers: ClinVar variation 551529 (VCV000551529.17), dbSNP rs753829097, ClinGen allele CA3999210.